The following is an entry in ClinVar:

ClinVar aggregate classification (germline): Uncertain significance (1 of 4 stars; one submission).

Conditions:
Neurofibromatosis, type 1 (NF1). Also called: NEUROFIBROMATOSIS, TYPE I, SOMATIC; Neurofibromatosis, type I; Peripheral type neurofibromatosis; VON RECKLINGHAUSEN DISEASE. Identifiers: Orphanet 636, MedGen C0027831, MONDO:0018975, OMIM 162200. Disease mechanism: loss of function.

Submission:

Labcorp Genetics (formerly Invitae), Labcorp
Classification: Uncertain significance for Neurofibromatosis, type 1. Last evaluated: 2025-05-16. Review status: criteria provided, single submitter. Criteria: Invitae Variant Classification Sherloc (09022015). Collection method: clinical testing. Allele origin: germline.
Comment: This sequence change replaces isoleucine, which is neutral and non-polar, with phenylalanine, which is neutral and non-polar, at codon 1186 of the NF1 protein (p.Ile1186Phe). This variant is not present in population databases (gnomAD no frequency). This variant has not been reported in the literature in individuals affected with NF1-related conditions. ClinVar contains an entry for this variant (Variation ID: 2997572). Invitae Evidence Modeling of protein sequence and biophysical properties (such as structural, functional, and spatial information, amino acid conservation, physicochemical variation, residue mobility, and thermodynamic stability) indicates that this missense variant is expected to disrupt NF1 protein function with a positive predictive value of 95%. In summary, the available evidence is currently insufficient to determine the role of this variant in disease. Therefore, it has been classified as a Variant of Uncertain Significance.

NM_001042492.3(NF1):c.3556A>T (p.Ile1186Phe)

Gene: NF1 (neurofibromin 1; plus strand). Cytogenetic location: 17q11.2.
Variant type: single nucleotide variant.
Coding change: c.3556A>T on transcript NM_001042492.3 (MANE Select); coding-DNA position 3556, A replaced by T.
Protein change: p.Ile1186Phe; replaces isoleucine 1186 with phenylalanine.
Molecular consequence: missense variant.
Genome position (GRCh38, 1-based): chr17:31,233,061, A>T. VCF-style: chr17-31233061-A-T. GRCh37 (hg19) VCF-style: chr17-29560079-A-T.
Other names: c.3556A>T, p.Ile1186Phe (NM_000267.4); short protein forms I1186F.
Identifiers: ClinVar variation 2997572 (VCV002997572.3), dbSNP rs2151435416, ClinGen allele CA398990024.